The following is an entry in ClinVar:

NM_000077.5(CDKN2A):c.286G>T (p.Val96Leu)

Gene: CDKN2A (cyclin dependent kinase inhibitor 2A; minus strand). Cytogenetic location: 9p21.3.
Variant type: single nucleotide variant.
Coding change: c.286G>T on transcript NM_000077.5; coding-DNA position 286, G replaced by T.
Protein change: p.Val96Leu; replaces valine 96 with leucine.
Molecular consequence: missense variant (on NM_000077.6). On other transcripts: 3 prime UTR variant (1).
Genome position (GRCh38, 1-based): chr9:21,971,073, C>A on the plus strand (G>T on the coding strand, the complement: CDKN2A is on the minus strand). VCF-style: chr9-21971073-C-A. GRCh37 (hg19) VCF-style: chr9-21971072-C-A.
Other names: c.286G>T, p.Val96Leu (NM_000077.6, NM_001195132.2); c.133G>T, p.Val45Leu (NM_001363763.2); c.329G>T, p.Gly110Val (NM_058195.4); c.*209G>T (NM_058197.5); short protein forms G110V, V96L, V45L.
Identifiers: ClinVar variation 2106366 (VCV002106366.4), dbSNP rs1587331506, ClinGen allele CA373086139.

ClinVar aggregate classification (germline): Uncertain significance (1 of 4 stars; one submission).

Conditions:
Familial melanoma. Also called: Hereditary melanoma; Hereditary cutaneous melanoma. Identifiers: Orphanet 618, MedGen C1512419, MONDO:0018961.

gnomAD v4.1: 1 of 1,605,632 alleles (0.000062%); highest among the groups gnomAD compares: East Asian, 0.0022%; no homozygotes.

Submission:

Labcorp Genetics (formerly Invitae), Labcorp
Classification: Uncertain significance for Familial melanoma. Last evaluated: 2022-03-26. Review status: criteria provided, single submitter. Criteria: Invitae Variant Classification Sherloc (09022015). Collection method: clinical testing. Allele origin: germline.
Comment: In summary, the available evidence is currently insufficient to determine the role of this variant in disease. Therefore, it has been classified as a Variant of Uncertain Significance. Algorithms developed to predict the effect of missense changes on protein structure and function (SIFT, PolyPhen-2, Align-GVGD) all suggest that this variant is likely to be tolerated. This variant is also known as c.329G>T (p.Gly110Val) in CDKN2A (p14ARF) NM_058195.3. This variant has not been reported in the literature in individuals affected with CDKN2A (p16INK4a)-related conditions. This variant is not present in population databases (gnomAD no frequency). This sequence change replaces valine, which is neutral and non-polar, with leucine, which is neutral and non-polar, at codon 96 of the CDKN2A (p16INK4a) protein (p.Val96Leu). The CDKN2A gene encodes two different proteins, p16INK4a and p14ARF, which are translated from alternative transcripts with different open reading frames. Both transcripts have been analyzed. We report either the variant with the higher classification or default to the CDKN2A (p16INK4a) variant. This report therefore includes the details for the CDKN2A (p16INK4a) variant.